The following is an entry in ClinVar:

ClinVar aggregate classification (germline): Conflicting classifications of pathogenicity. Review status: criteria provided, conflicting classifications (1 of 4 stars). 4 submissions from 4 submitters: Uncertain significance (1); Likely benign (3). Last evaluated 2024-11-15.

Conditions:
Cardiovascular phenotype. Identifiers: MedGen CN230736.
Long QT syndrome (LQTS). Identifiers: MedGen C0023976, MeSH D008133, MONDO:0002442. Disease mechanism: loss of function. Inheritance: Various modes of inheritance.

Allele frequency attached by ClinVar (database versions not stated): gnomAD exomes 0.00006 and 0.00013; gnomAD 0.00007 and 0.00008; TOPMed 0.00008; ExAC 0.00013; ESP Exome Variant Server 0.00015.
gnomAD v4.1: 100 of 1,614,082 alleles (0.0062%); highest among the groups gnomAD compares: Admixed American, 0.01%; no homozygotes.

Submissions (4):

Labcorp Genetics (formerly Invitae), Labcorp
Classification: Uncertain significance for Long QT syndrome. Last evaluated: 2024-11-15. Review status: criteria provided, single submitter. Criteria: Invitae Variant Classification Sherloc (09022015). Collection method: clinical testing. Allele origin: germline.
Comment: This sequence change replaces valine, which is neutral and non-polar, with leucine, which is neutral and non-polar, at codon 3788 of the AKAP9 protein (p.Val3788Leu). This variant is present in population databases (rs199527737, gnomAD 0.2%), and has an allele count higher than expected for a pathogenic variant. This variant has not been reported in the literature in individuals affected with AKAP9-related conditions. ClinVar contains an entry for this variant (Variation ID: 191532). An algorithm developed to predict the effect of missense changes on protein structure and function (PolyPhen-2) suggests that this variant is likely to be disruptive. In summary, the available evidence is currently insufficient to determine the role of this variant in disease. Therefore, it has been classified as a Variant of Uncertain Significance.

CeGaT Center for Human Genetics Tuebingen
Classification: Likely benign. Last evaluated: 2023-08-01. Review status: criteria provided, single submitter. Criteria: CeGaT Center For Human Genetics Tuebingen Variant Classification Criteria Version 2. Collection method: clinical testing. Allele origin: germline. Affected: yes. Observed: 1 variant allele.
Comment: AKAP9: BS2

Ambry Genetics
Classification: Likely benign for Cardiovascular phenotype. Last evaluated: 2020-02-05. Review status: criteria provided, single submitter. Criteria: Ambry Variant Classification Scheme 2023. Collection method: clinical testing. Allele origin: germline.

Biesecker Lab/Clinical Genomics Section, National Institutes of Health
Classification: Likely benign. Last evaluated: 2013-06-24. Review status: criteria provided, single submitter. Criteria: Ng et al. (Circ Cardiovasc Genet. 2013). Collection method: research. Allele origin: unknown. Observed: 1 variant allele. Study: ClinSeq.
Comment: The study set was not selected for affection status in relation to any cancer. Pathogenicity categories were based on literature curation. See Pubmed ID:23861362 for details.

Medical sequencing

Literature cited by the submitters: PubMed 23861362 (cited by Ambry Genetics).

NM_005751.5(AKAP9):c.11362G>C (p.Val3788Leu)

Gene: AKAP9 (A-kinase anchoring protein 9; plus strand). Cytogenetic location: 7q21.2.
Variant type: single nucleotide variant.
Coding change: c.11362G>C on transcript NM_005751.5 (MANE Select); coding-DNA position 11362, G replaced by C.
Protein change: p.Val3788Leu; replaces valine 3788 with leucine.
Molecular consequence: missense variant.
Genome position (GRCh38, 1-based): chr7:92,105,709, G>C. VCF-style: chr7-92105709-G-C. GRCh37 (hg19) VCF-style: chr7-91735023-G-C.
Other names: c.6007G>C, p.Val2003Leu (NM_001379277.1); c.11338G>C, p.Val3780Leu (NM_147185.3); short protein forms V3788L, V3780L, V2003L.
Identifiers: ClinVar variation 191532 (VCV000191532.33), dbSNP rs199527737, ClinGen allele CA236918.